The following is an entry in ClinVar:

ClinVar aggregate classification (germline): Uncertain significance. Review status: criteria provided, multiple submitters, no conflicts (2 of 4 stars). 2 submissions from 2 submitters: Uncertain significance (2). Last evaluated 2025-10-22.

Conditions:
Inborn genetic diseases. Identifiers: MedGen C0950123, MeSH D030342.

Allele frequency attached by ClinVar (database versions not stated): gnomAD 0.00001.
gnomAD v4.1: 5 of 1,612,654 alleles (0.00031%); highest among the groups gnomAD compares: African/African-American, 0.0067%; no homozygotes.

Submissions (2):

Ambry Genetics
Classification: Uncertain significance for Inborn genetic diseases. Last evaluated: 2025-10-22. Review status: criteria provided, single submitter. Criteria: Ambry Variant Classification Scheme 2023. Collection method: clinical testing. Allele origin: germline.

Labcorp Genetics (formerly Invitae), Labcorp
Classification: Uncertain significance. Last evaluated: 2023-07-20. Review status: criteria provided, single submitter. Criteria: Invitae Variant Classification Sherloc (09022015). Collection method: clinical testing. Allele origin: germline.
Comment: This sequence change replaces isoleucine, which is neutral and non-polar, with phenylalanine, which is neutral and non-polar, at codon 384 of the COQ2 protein (p.Ile384Phe). This variant is present in population databases (no rsID available, gnomAD 0.01%). This variant has not been reported in the literature in individuals affected with COQ2-related conditions. Advanced modeling of protein sequence and biophysical properties (such as structural, functional, and spatial information, amino acid conservation, physicochemical variation, residue mobility, and thermodynamic stability) performed at Invitae indicates that this missense variant is not expected to disrupt COQ2 protein function. In summary, the available evidence is currently insufficient to determine the role of this variant in disease. Therefore, it has been classified as a Variant of Uncertain Significance.

NM_001358921.2(COQ2):c.1000A>T (p.Ile334Phe)

Gene: COQ2 (coenzyme Q2, polyprenyltransferase; minus strand). Cytogenetic location: 4q21.23.
Variant type: single nucleotide variant.
Coding change: c.1000A>T on transcript NM_001358921.2 (MANE Select); coding-DNA position 1000, A replaced by T.
Protein change: p.Ile334Phe; replaces isoleucine 334 with phenylalanine.
Molecular consequence: missense variant.
Genome position (GRCh38, 1-based): chr4:83,264,315, T>A on the plus strand (A>T on the coding strand, the complement: COQ2 is on the minus strand). VCF-style: chr4-83264315-T-A. GRCh37 (hg19) VCF-style: chr4-84185468-T-A.
Other names: c.1150A>T, p.Ile384Phe (NM_015697.9); c.1150A>T (NM_015697.7); short protein forms I334F, I384F.
Identifiers: ClinVar variation 2778302 (VCV002778302.4), dbSNP rs1042165424, ClinGen allele CA100650892.
Genomic context (GRCh38, chr4:83,264,315, plus strand): 5'-TCCACAAATTCCCAAGGACAATCCCTAAAAAAACTATTAGTCCCAGTGTTCGGTTGGAGA[T>A]AAATTTATTCCAACAATCCTCAGGTCTGTGGATGTCTAGAGTGTAAATCTGCAAGAGAGG-3'
Protein context (NP_001345850.1, residues 324-344): HRPEDCWNKF[Ile334Phe]SNRTLGLIVF